The following is an entry in ClinVar:

NM_015057.5(MYCBP2):c.11855T>C (p.Met3952Thr)

Gene: MYCBP2 (MYC binding protein 2; minus strand). Cytogenetic location: 13q22.3.
Variant type: single nucleotide variant.
Coding change: c.11855T>C on transcript NM_015057.5 (MANE Select); coding-DNA position 11855, T replaced by C.
Protein change: p.Met3952Thr; replaces methionine 3952 with threonine.
Molecular consequence: missense variant.
Genome position (GRCh38, 1-based): chr13:77,070,680, A>G on the plus strand (T>C on the coding strand, the complement: MYCBP2 is on the minus strand). VCF-style: chr13-77070680-A-G. GRCh37 (hg19) VCF-style: chr13-77644815-A-G.
Other names: short protein forms M3952T.
Identifiers: ClinVar variation 3340679 (VCV003340679.2).
Genomic context (GRCh38, chr13:77,070,680, plus strand): 5'-TGTTAACCAACCTGTTTTTGTAAGTTAGTCAGCTTACTCCTGCTGAATATGATTCCAACC[A>G]TATGTTCTTTCAGGTCAGCATCTGATGTTGCCTTTACATAGAAAAAGAAAAAAAAAAAAA-3'
Protein context (NP_055872.4, residues 3942-3962): ATSDADLKEH[Met3952Thr]VGIIFSRSKL

ClinVar aggregate classification (germline): Likely pathogenic (1 of 4 stars; one submission).

Submission:

GeneDx
Classification: Likely pathogenic. Last evaluated: 2025-06-11. Review status: criteria provided, single submitter. Criteria: GeneDx Variant Classification Process June 2021. Collection method: clinical testing. Allele origin: germline.
Comment: Not observed at significant frequency in large population cohorts (gnomAD); In silico analysis, which includes protein predictors and evolutionary conservation, supports a deleterious effect; Has not been previously published as pathogenic or benign to our knowledge